The following is an entry in ClinVar:

ClinVar aggregate classification (germline): Pathogenic (1 of 4 stars; one submission).

Conditions:
Polyglucosan body myopathy type 2. Identifiers: Orphanet 456369, MedGen C4015452, MONDO:0014526, OMIM 616199.
Glycogen storage disease XV (GSD15). Also called: GLYCOGENIN DEFICIENCY; GSD XV. Identifiers: Orphanet 263297, MedGen C3150754, MONDO:0013291, OMIM 613507.

Submission:

Labcorp Genetics (formerly Invitae), Labcorp
Classification: Pathogenic for Polyglucosan body myopathy type 2; Glycogen storage disease XV. Last evaluated: 2024-01-31. Review status: criteria provided, single submitter. Criteria: Invitae Variant Classification Sherloc (09022015). Collection method: clinical testing. Allele origin: germline.
Comment: This sequence change creates a premature translational stop signal (p.Leu258Phefs*35) in the GYG1 gene. While this is not anticipated to result in nonsense mediated decay, it is expected to disrupt the last 93 amino acid(s) of the GYG1 protein. This variant is not present in population databases (gnomAD no frequency). This variant has not been reported in the literature in individuals affected with GYG1-related conditions. This variant disrupts a region of the GYG1 protein in which other variant(s) (p.Tyr332*) have been determined to be pathogenic (PMID: 29264399). This suggests that this is a clinically significant region of the protein, and that variants that disrupt it are likely to be disease-causing. For these reasons, this variant has been classified as Pathogenic.

Literature cited by the submitters: PubMed 29264399.

NM_004130.4(GYG1):c.773dup (p.Leu258fs)

Gene: GYG1 (glycogenin 1; plus strand). Cytogenetic location: 3q24.
Variant type: Duplication.
Coding change: c.773dup on transcript NM_004130.4 (MANE Select); coding-DNA position 773, one base duplicated (T; older notation c.773dupT).
Protein change: p.Leu258fs; shifts the reading frame from leucine 258.
Molecular consequence: frameshift variant. On other transcripts: intron variant (1).
Genome position (GRCh38, 1-based): chr3:149,024,217, T duplicated; the last of 4 consecutive T bases (chr3:149,024,214-149,024,217); duplicating any one gives the same sequence. VCF-style (leftmost placement, unchanged base first): chr3-149024213-G-GT. GRCh37 (hg19) VCF-style: chr3-148742000-G-GT.
Other names: c.773dup, p.Leu258fs (NM_001184720.2); c.609-2543dup (NM_001184721.2); short protein forms L258fs.
Identifiers: ClinVar variation 3754301 (VCV003754301.2).